The following is an entry in ClinVar:

NM_001807.6(CEL):c.1360G>A (p.Asp454Asn)

Gene: CEL (carboxyl ester lipase; plus strand). Cytogenetic location: 9q34.13.
Variant type: single nucleotide variant.
Coding change: c.1360G>A on transcript NM_001807.6 (MANE Select); coding-DNA position 1360, G replaced by A.
Protein change: p.Asp454Asn; replaces aspartic acid 454 with asparagine.
Molecular consequence: missense variant.
Genome position (GRCh38, 1-based): chr9:133,070,534, G>A. VCF-style: chr9-133070534-G-A. GRCh37 (hg19) VCF-style: chr9-135945921-G-A.
Other names: c.1369G>A (NM_001807.3); short protein forms D454N.
Identifiers: ClinVar variation 3596566 (VCV003596566.2).

ClinVar aggregate classification (germline): Uncertain significance. Review status: criteria provided, multiple submitters, no conflicts (2 of 4 stars). 2 submissions from 2 submitters: Uncertain significance (2). Last evaluated 2024-08-13.

Conditions:
Maturity-onset diabetes of the young type 8 (MODY8). Also called: DIABETES-PANCREATIC EXOCRINE DYSFUNCTION SYNDROME; DIABETES AND PANCREATIC EXOCRINE DYSFUNCTION. Identifiers: Orphanet 552, MedGen C1853297, MONDO:0012348, OMIM 609812.

gnomAD v4.1: 4 of 1,613,912 alleles (0.00025%); highest among the groups gnomAD compares: East Asian, 0.0022%; no homozygotes.

Submissions (2):

GeneDx
Classification: Uncertain significance. Last evaluated: 2024-08-13. Review status: criteria provided, single submitter. Criteria: GeneDx Variant Classification Process June 2021. Collection method: clinical testing. Allele origin: germline. Affected: yes.
Comment: Not observed at significant frequency in large population cohorts (gnomAD); In silico analysis indicates that this missense variant does not alter protein structure/function; Has not been previously published as pathogenic or benign to our knowledge

Fulgent Genetics
Classification: Uncertain significance for Maturity-onset diabetes of the young type 8. Last evaluated: 2023-12-29. Review status: criteria provided, single submitter. Criteria: ACMG Guidelines, 2015. Collection method: clinical testing. Allele origin: germline.